The following is an entry in ClinVar:

NM_000463.3(UGT1A1):c.578T>A (p.Val193Glu)

Genes: UGT1A4 (UDP glucuronosyltransferase family 1 member A4; plus strand), UGT1A (UDP glucuronosyltransferase family 1 member A complex locus; plus strand), UGT1A1 (UDP glucuronosyltransferase family 1 member A1; plus strand), UGT1A10 (UDP glucuronosyltransferase family 1 member A10; plus strand), UGT1A3 (UDP glucuronosyltransferase family 1 member A3; plus strand) and 5 more. Cytogenetic location: 2q37.1.
Variant type: single nucleotide variant.
Coding change: c.578T>A on transcript NM_000463.3 (MANE Select); coding-DNA position 578, T replaced by A.
Protein change: p.Val193Glu; replaces valine 193 with glutamic acid.
Molecular consequence: missense variant. On other transcripts: intron variant (9).
Genome position (GRCh38, 1-based): chr2:233,760,865, T>A. VCF-style: chr2-233760865-T-A. GRCh37 (hg19) VCF-style: chr2-234669511-T-A.
Other names: c.856-6169T>A (NM_019076.5, NM_019075.4, NM_021027.3 and 1 more transcripts); c.61-6169T>A (NM_205862.3); c.862-6169T>A (NM_001072.4); c.868-6169T>A (NM_019078.2, NM_007120.3, NM_019093.4); short protein forms V193E.
Identifiers: ClinVar variation 1463014 (VCV001463014.6), dbSNP rs2125988381, ClinGen allele CA351067216.

ClinVar aggregate classification (germline): Uncertain significance (1 of 4 stars; one submission).

Submission:

Labcorp Genetics (formerly Invitae), Labcorp
Classification: Uncertain significance. Last evaluated: 2021-12-02. Review status: criteria provided, single submitter. Criteria: Invitae Variant Classification Sherloc (09022015). Collection method: clinical testing. Allele origin: germline.
Comment: In summary, the available evidence is currently insufficient to determine the role of this variant in disease. Therefore, it has been classified as a Variant of Uncertain Significance. Algorithms developed to predict the effect of missense changes on protein structure and function are either unavailable or do not agree on the potential impact of this missense change (SIFT: "Not Available"; PolyPhen-2: "Probably Damaging"; Align-GVGD: "Not Available"). This missense change has been observed in individual(s) with UGT1A1-related conditions (Invitae). In at least one individual the data is consistent with being in trans (on the opposite chromosome) from a pathogenic variant. This variant is not present in population databases (gnomAD no frequency). This sequence change replaces valine, which is neutral and non-polar, with glutamic acid, which is acidic and polar, at codon 193 of the UGT1A1 protein (p.Val193Glu).